The following is an entry in ClinVar:

NM_025114.4(CEP290):c.2320G>C (p.Ala774Pro)

Gene: CEP290 (centrosomal protein 290; minus strand). Cytogenetic location: 12q21.32.
Variant type: single nucleotide variant.
Coding change: c.2320G>C on transcript NM_025114.4 (MANE Select); coding-DNA position 2320, G replaced by C.
Protein change: p.Ala774Pro; replaces alanine 774 with proline.
Molecular consequence: missense variant.
Genome position (GRCh38, 1-based): chr12:88,111,249, C>G on the plus strand (G>C on the coding strand, the complement: CEP290 is on the minus strand). VCF-style: chr12-88111249-C-G. GRCh37 (hg19) VCF-style: chr12-88505026-C-G.
Other names: short protein forms A774P.
Identifiers: ClinVar variation 975662 (VCV000975662.5), dbSNP rs777365811, ClinGen allele CA6712354.

ClinVar aggregate classification (germline): Uncertain significance. Review status: criteria provided, multiple submitters, no conflicts (2 of 4 stars). 3 submissions from 3 submitters: Uncertain significance (2). 1 of the submissions does not count toward it. Last evaluated 2026-03-26.

Conditions:
Intellectual disability. Also called: Intellectual developmental disorder; Intellectual functioning disability; intellectual disabilities. Identifiers: MedGen C3714756, MeSH D008607, MONDO:0001071, HP:0001249.
CEP290-related disorder. Also called: CEP290-related condition; CEP290-related disorders. Identifiers: MedGen CN239314.
Nephronophthisis. Also called: Juvenile Nephronophthisis. Identifiers: Orphanet 655, MedGen C0687120, MONDO:0019005, HP:0000090.
Meckel-Gruber syndrome. Also called: GRUBER SYNDROME; Dysencephalia splachnocystica; DYSENCEPHALIA SPLANCHNOCYSTICA. Identifiers: Orphanet 564, MedGen C0265215, MONDO:0018921.
Joubert syndrome. Also called: Familial aplasia of the vermis; JOUBERT-BOLTSHAUSER SYNDROME. Identifiers: Orphanet 475, MedGen C5979921, MONDO:0018772.

Allele frequency attached by ClinVar (database versions not stated): TOPMed below 0.00001; gnomAD 0.00001; gnomAD exomes 0.00003; ExAC 0.00007.
gnomAD v4.1: 18 of 1,500,824 alleles (0.0012%); highest among the groups gnomAD compares: Middle Eastern, 0.018%; no homozygotes.

Submissions (3):

PreventionGenetics, part of Exact Sciences
Classification: Uncertain significance for CEP290-related condition. Last evaluated: 2026-03-26. Review status: criteria provided, single submitter. Criteria: ACMG Guidelines, 2015. Collection method: clinical testing. Allele origin: germline.
Comment: The CEP290 c.2320G>C variant is predicted to result in the amino acid substitution p.Ala774Pro. To our knowledge, this variant has not been reported in the literature. This variant is reported in 0.0067% of alleles in individuals of European (Non-Finnish) descent in gnomAD. At this time, the clinical significance of this variant is uncertain due to the absence of conclusive functional and genetic evidence.

Labcorp Genetics (formerly Invitae), Labcorp
Classification: Uncertain significance for Joubert syndrome; Meckel-Gruber syndrome; Nephronophthisis. Last evaluated: 2022-07-24. Review status: criteria provided, single submitter. Criteria: Invitae Variant Classification Sherloc (09022015). Collection method: clinical testing. Allele origin: germline.
Comment: This sequence change replaces alanine, which is neutral and non-polar, with proline, which is neutral and non-polar, at codon 774 of the CEP290 protein (p.Ala774Pro). This variant is present in population databases (rs777365811, gnomAD 0.007%). This variant has not been reported in the literature in individuals affected with CEP290-related conditions. ClinVar contains an entry for this variant (Variation ID: 975662). Algorithms developed to predict the effect of missense changes on protein structure and function are either unavailable or do not agree on the potential impact of this missense change (SIFT: "Deleterious"; PolyPhen-2: "Probably Damaging"; Align-GVGD: "Class C0"). In summary, the available evidence is currently insufficient to determine the role of this variant in disease. Therefore, it has been classified as a Variant of Uncertain Significance.

Centre de Biologie Pathologie Génétique, Centre Hospitalier Universitaire de Lille
Classification: Likely benign for Intellectual disability. Last evaluated: 2019-01-01. Review status: no assertion criteria provided. Collection method: clinical testing. Allele origin: inherited. Affected: yes. Not counted in ClinVar's aggregate classification.